The following is an entry in ClinVar:

NM_000393.5(COL5A2):c.2272C>G (p.Pro758Ala)

Gene: COL5A2 (collagen type V alpha 2 chain; minus strand). Cytogenetic location: 2q32.2.
Variant type: single nucleotide variant.
Coding change: c.2272C>G on transcript NM_000393.5 (MANE Select); coding-DNA position 2272, C replaced by G.
Protein change: p.Pro758Ala; replaces proline 758 with alanine.
Molecular consequence: missense variant.
Genome position (GRCh38, 1-based): chr2:189,057,385, G>C on the plus strand (C>G on the coding strand, the complement: COL5A2 is on the minus strand). VCF-style: chr2-189057385-G-C. GRCh37 (hg19) VCF-style: chr2-189922111-G-C.
Other names: short protein forms P758A.
Identifiers: ClinVar variation 1401702 (VCV001401702.9), dbSNP rs753363765, ClinGen allele CA2022390.

ClinVar aggregate classification (germline): Uncertain significance. Review status: criteria provided, multiple submitters, no conflicts (2 of 4 stars). 2 submissions from 2 submitters: Uncertain significance (2). Last evaluated 2024-12-11.

Conditions:
Ehlers-Danlos syndrome, classic type, 1 (EDSCL1). Also called: EHLERS-DANLOS SYNDROME, GRAVIS TYPE; EHLERS-DANLOS SYNDROME, SEVERE CLASSIC TYPE; Ehlers-Danlos syndrome, type 1; Ehlers-Danlos Syndrome, Classic Type, COL5A1-Related; EDS I. Identifiers: MedGen C0268335, MONDO:0019567, OMIM 130000.

Allele frequency attached by ClinVar (database versions not stated): gnomAD exomes below 0.00001 and 0.00001; ExAC 0.00001; TOPMed 0.00001; gnomAD 0.00002.
gnomAD v4.1: 8 of 1,613,482 alleles (0.0005%); highest among the groups gnomAD compares: South Asian, 0.0077%; no homozygotes.

Submissions (2):

Labcorp Genetics (formerly Invitae), Labcorp
Classification: Uncertain significance for Ehlers-Danlos syndrome, classic type, 1. Last evaluated: 2024-12-11. Review status: criteria provided, single submitter. Criteria: Invitae Variant Classification Sherloc (09022015). Collection method: clinical testing. Allele origin: germline.
Comment: This sequence change replaces proline, which is neutral and non-polar, with alanine, which is neutral and non-polar, at codon 758 of the COL5A2 protein (p.Pro758Ala). This variant is present in population databases (rs753363765, gnomAD 0.003%). This variant has not been reported in the literature in individuals affected with COL5A2-related conditions. ClinVar contains an entry for this variant (Variation ID: 1401702). Invitae Evidence Modeling of protein sequence and biophysical properties (such as structural, functional, and spatial information, amino acid conservation, physicochemical variation, residue mobility, and thermodynamic stability) indicates that this missense variant is not expected to disrupt COL5A2 protein function with a negative predictive value of 80%. In summary, the available evidence is currently insufficient to determine the role of this variant in disease. Therefore, it has been classified as a Variant of Uncertain Significance.

Blueprint Genetics
Classification: Uncertain significance. Last evaluated: 2023-04-28. Review status: criteria provided, single submitter. Criteria: ACMG Guidelines, 2015. Collection method: clinical testing. Allele origin: germline.